The following is an entry in ClinVar:

NM_001385125.1(OPN1SW):c.838C>T (p.Arg280Trp)

Gene: OPN1SW (opsin 1, short wave sensitive; minus strand). Cytogenetic location: 7q32.1.
Variant type: single nucleotide variant.
Coding change: c.838C>T on transcript NM_001385125.1 (MANE Select); coding-DNA position 838, C replaced by T.
Protein change: p.Arg280Trp; replaces arginine 280 with tryptophan.
Molecular consequence: missense variant.
Genome position (GRCh38, 1-based): chr7:128,773,729, G>A on the plus strand (C>T on the coding strand, the complement: OPN1SW is on the minus strand). VCF-style: chr7-128773729-G-A. GRCh37 (hg19) VCF-style: chr7-128413783-G-A.
Other names: short protein forms R280W.
Identifiers: ClinVar variation 1349420 (VCV001349420.8), dbSNP rs778481357, ClinGen allele CA4472822.

ClinVar aggregate classification (germline): Uncertain significance (1 of 4 stars; one submission).

Submission:

Labcorp Genetics (formerly Invitae), Labcorp
Classification: Uncertain significance. Last evaluated: 2025-08-07. Review status: criteria provided, single submitter. Criteria: Invitae Variant Classification Sherloc (09022015). Collection method: clinical testing. Allele origin: germline.
Comment: This sequence change replaces arginine, which is basic and polar, with tryptophan, which is neutral and slightly polar, at codon 283 of the OPN1SW protein (p.Arg283Trp). This variant is present in population databases (rs778481357, gnomAD 0.003%). This variant has not been reported in the literature in individuals affected with OPN1SW-related conditions. ClinVar contains an entry for this variant (Variation ID: 1349420). An algorithm developed to predict the effect of missense changes on protein structure and function (PolyPhen-2) suggests that this variant is likely to be disruptive. In summary, the available evidence is currently insufficient to determine the role of this variant in disease. Therefore, it has been classified as a Variant of Uncertain Significance.